The following is an entry in ClinVar:

ClinVar aggregate classification (germline): Pathogenic. Review status: criteria provided, single submitter (1 of 4 stars). 2 submissions from 2 submitters: Pathogenic (1). 1 of the submissions does not count toward it. Last evaluated 2026-04-30.

Conditions:
Diffuse gastric and lobular breast cancer syndrome with cleft lip and with or without cleft palate. Identifiers: MedGen C5677027.
Hereditary diffuse gastric adenocarcinoma (HDGC). Also called: DIFFUSE GASTRIC AND LOBULAR BREAST CANCER SYNDROME. Identifiers: Orphanet 26106, MedGen C1708349, MONDO:0007648, OMIM 137215.

Allele frequency attached by ClinVar (database versions not stated): gnomAD exomes below 0.00001.
gnomAD v4.1: 1 of 1,614,132 alleles (0.000062%); highest among the groups gnomAD compares: Non-Finnish European, 0.000085%; no homozygotes.

Submissions (2):

Myriad Genetics, Inc.
Classification: Pathogenic for Hereditary diffuse gastric adenocarcinoma. Last evaluated: 2026-04-30. Review status: criteria provided, single submitter. Criteria: Myriad Autosomal Dominant, Autosomal Recessive and X-Linked Classification Criteria (2023). Collection method: clinical testing. Allele origin: unknown.
Comment: This variant is considered pathogenic. This variant occurs within a consensus splice junction and is predicted to result in abnormal mRNA splicing of either an out-of-frame exon or an in-frame exon necessary for protein stability and/or normal function. mRNA analysis has demonstrated abnormal mRNA splicing occurs [PMID: 15831593]. This variant has shown to segregate with cancer in one or more families [PMID: 15831593].

OMIM
Classification: Pathogenic for DIFFUSE GASTRIC AND LOBULAR BREAST CANCER SYNDROME WITH CLEFT LIP AND WITH OR WITHOUT CLEFT PALATE. Last evaluated: 2006-02-01. Review status: no assertion criteria provided. Collection method: literature only. Allele origin: germline. Not counted in ClinVar's aggregate classification.

Literature cited by the submitters: PubMed 15831593 (cited by Myriad Genetics, Inc. and OMIM).

NM_004360.5(CDH1):c.531+2T>A

Gene: CDH1 (cadherin 1; plus strand). Cytogenetic location: 16q22.1.
Variant type: single nucleotide variant.
Coding change: c.531+2T>A on transcript NM_004360.5 (MANE Select); the canonical splice donor site of the intron after coding-DNA position 531, T replaced by A.
Molecular consequence: splice donor variant.
Genome position (GRCh38, 1-based): chr16:68,808,569, T>A. VCF-style: chr16-68808569-T-A. GRCh37 (hg19) VCF-style: chr16-68842472-T-A.
Other names: IVS4DS, T-A, +2; c.-1085+2T>A (NM_001317185.2); c.-1289+2T>A (NM_001317186.2); c.531+2T>A (NM_001317184.2).
Identifiers: ClinVar variation 12248 (VCV000012248.3), dbSNP rs1597890755, ClinGen allele CA396457829.